The following is an entry in ClinVar:

NM_006231.4(POLE):c.3311C>T (p.Thr1104Met)

Gene: POLE (DNA polymerase epsilon, catalytic subunit; minus strand). Cytogenetic location: 12q24.33.
Variant type: single nucleotide variant.
Coding change: c.3311C>T on transcript NM_006231.4 (MANE Select); coding-DNA position 3311, C replaced by T.
Protein change: p.Thr1104Met; replaces threonine 1104 with methionine.
Molecular consequence: missense variant.
Genome position (GRCh38, 1-based): chr12:132,657,935, G>A on the plus strand (C>T on the coding strand, the complement: POLE is on the minus strand). VCF-style: chr12-132657935-G-A. GRCh37 (hg19) VCF-style: chr12-133234521-G-A.
Other names: short protein forms T1104M.
Identifiers: ClinVar variation 405803 (VCV000405803.27), dbSNP rs531705054, ClinGen allele CA6893283.

ClinVar aggregate classification (germline): Conflicting classifications of pathogenicity. Review status: criteria provided, conflicting classifications (1 of 4 stars). 7 submissions from 7 submitters: Uncertain significance (6); Likely benign (1). Last evaluated 2026-01-19.

Conditions:
Facial dysmorphism-immunodeficiency-livedo-short stature syndrome. Also called: Facial dysmorphism, immunodeficiency, livedo, and short stature; FILS syndrome. Identifiers: Orphanet 352712, MedGen C3554576, MONDO:0014058, OMIM 615139.
Hereditary cancer-predisposing syndrome. Also called: Hereditary Cancer Syndrome; Hereditary neoplastic syndrome; Neoplastic Syndromes, Hereditary; Tumor predisposition. Identifiers: Orphanet 140162, MedGen C0027672, MeSH D009386, MONDO:0015356.
Colorectal cancer, susceptibility to, 12 (CRCS12). Also called: COLORECTAL CANCER, SUSCEPTIBILITY TO, ON CHROMOSOME 12q24. Identifiers: Orphanet 220460, MedGen C3554460, MONDO:0014038, OMIM 615083.

Allele frequency attached by ClinVar (database versions not stated): gnomAD exomes 0.00004 and 0.00005; ExAC 0.00005; gnomAD 0.00007 and 0.00009; TOPMed 0.00009.
gnomAD v4.1: 94 of 1,613,836 alleles (0.0058%); highest among the groups gnomAD compares: Middle Eastern, 0.033%; no homozygotes.

Submissions (7):

Labcorp Genetics (formerly Invitae), Labcorp
Classification: Uncertain significance. Last evaluated: 2026-01-19. Review status: criteria provided, single submitter. Criteria: Invitae Variant Classification Sherloc (09022015). Collection method: clinical testing. Allele origin: germline.
Comment: This sequence change replaces threonine, which is neutral and polar, with methionine, which is neutral and non-polar, at codon 1104 of the POLE protein (p.Thr1104Met). This variant is present in population databases (rs531705054, gnomAD 0.02%). This variant has not been reported in the literature in individuals affected with POLE-related conditions. ClinVar contains an entry for this variant (Variation ID: 405803). Invitae Evidence Modeling of protein sequence and biophysical properties (such as structural, functional, and spatial information, amino acid conservation, physicochemical variation, residue mobility, and thermodynamic stability) indicates that this missense variant is not expected to disrupt POLE protein function with a negative predictive value of 80%. In summary, the available evidence is currently insufficient to determine the role of this variant in disease. Therefore, it has been classified as a Variant of Uncertain Significance.

Ambry Genetics
Classification: Likely benign for Hereditary cancer-predisposing syndrome. Last evaluated: 2024-12-23. Review status: criteria provided, single submitter. Criteria: Ambry Variant Classification Scheme 2023. Collection method: clinical testing. Allele origin: germline.

GeneDx
Classification: Uncertain significance. Last evaluated: 2024-02-21. Review status: criteria provided, single submitter. Criteria: GeneDx Variant Classification Process June 2021. Collection method: clinical testing. Allele origin: germline. Affected: yes.
Comment: In silico analysis supports that this missense variant does not alter protein structure/function; Observed in a colorectal cancer patients (PMID: 37965459); This variant is associated with the following publications: (PMID: 23528559, 25228659, 37965459)

St. Jude Molecular Pathology, St. Jude Children's Research Hospital
Classification: Uncertain significance for Colorectal cancer, susceptibility to, 12. Last evaluated: 2023-12-14. Review status: criteria provided, single submitter. Criteria: St. Jude Assertion Criteria 2020. Collection method: clinical testing. Allele origin: germline.

Baylor Genetics
Classification: Uncertain significance for Facial dysmorphism-immunodeficiency-livedo-short stature syndrome. Last evaluated: 2020-12-01. Review status: criteria provided, single submitter. Criteria: ACMG Guidelines, 2015. Collection method: clinical testing. Allele origin: unknown. Affected: yes. Study: CSER-TexasKidsCanSeq.
Comment: This variant was determined to be of uncertain significance according to ACMG Guidelines, 2015 [PMID:25741868].

Genetic Services Laboratory, University of Chicago
Classification: Uncertain significance. Last evaluated: 2019-04-05. Review status: criteria provided, single submitter. Criteria: ACMG Guidelines, 2015. Collection method: clinical testing. Allele origin: germline. Affected: no.

Women's Health and Genetics/Laboratory Corporation of America, LabCorp
Classification: Uncertain significance. Last evaluated: 2019-04-01. Review status: criteria provided, single submitter. Criteria: LabCorp Variant Classification Summary - May 2015. Collection method: clinical testing. Allele origin: germline.
Comment: Variant summary: POLE c.3311C>T (p.Thr1104Met) results in a non-conservative amino acid change located in the DNA-directed DNA polymerase, family B, multifunctional domain of the encoded protein sequence. Three of five in-silico tools predict a benign effect of the variant on protein function. The variant allele was found at a frequency of 4.3e-05 in 277216 control chromosomes (gnomAD). The observed variant frequency is approximately 3 fold of the estimated maximal expected allele frequency for a pathogenic variant in POLE causing Colorectal Cancer phenotype (1.4e-05), strongly suggesting that the variant is benign. To our knowledge, no occurrence of c.3311C>T in individuals affected with Colorectal Cancer and no experimental evidence demonstrating its impact on protein function have been reported. Two clinical diagnostic laboratories have submitted clinical-significance assessments for this variant to ClinVar after 2014 without evidence for independent evaluation and classified the variant as uncertain significance. Based on the evidence outlined above, the variant was classified as VUS-possibly benign.